The following is an entry in ClinVar:

NM_001042492.3(NF1):c.5471T>G (p.Ile1824Ser)

Gene: NF1 (neurofibromin 1; plus strand). Cytogenetic location: 17q11.2.
Variant type: single nucleotide variant.
Coding change: c.5471T>G on transcript NM_001042492.3 (MANE Select); coding-DNA position 5471, T replaced by G.
Protein change: p.Ile1824Ser; replaces isoleucine 1824 with serine.
Molecular consequence: missense variant.
Genome position (GRCh38, 1-based): chr17:31,327,701, T>G. VCF-style: chr17-31327701-T-G. GRCh37 (hg19) VCF-style: chr17-29654719-T-G.
Other names: c.5408T>G, p.Ile1803Ser (NM_000267.4); short protein forms I1803S, I1824S.
Identifiers: ClinVar variation 2452226 (VCV002452226.6), dbSNP rs2151541474, ClinGen allele CA399009516.
Genomic context (GRCh38, chr17:31,327,701, plus strand): 5'-CAAACCAGGGCACGCCGCTCACCTTCATGCACCAGGAGTGTGAAGCCATTGTCCAGTCTA[T>G]CATTCATATCCGGACCCGCTGGGAACTGTCACAGCCCGACTCTATCCCCCAACACACCAA-3'
Protein context (NP_001035957.1, residues 1814-1834): HQECEAIVQS[Ile1824Ser]IHIRTRWELS

ClinVar aggregate classification (germline): Uncertain significance. Review status: criteria provided, multiple submitters, no conflicts (2 of 4 stars). 2 submissions from 2 submitters: Uncertain significance (2). Last evaluated 2026-07-23.

Conditions:
Hereditary cancer-predisposing syndrome. Also called: Hereditary Cancer Syndrome; Hereditary neoplastic syndrome; Neoplastic Syndromes, Hereditary; Tumor predisposition. Identifiers: Orphanet 140162, MedGen C0027672, MeSH D009386, MONDO:0015356.
Cardiovascular phenotype. Identifiers: MedGen CN230736.
Neurofibromatosis, type 1 (NF1). Also called: VON RECKLINGHAUSEN DISEASE; Peripheral type neurofibromatosis; NEUROFIBROMATOSIS, TYPE I, SOMATIC; Neurofibromatosis, type I. Identifiers: Orphanet 636, MedGen C0027831, MONDO:0018975, OMIM 162200. Disease mechanism: loss of function.

Allele frequency attached by ClinVar (database versions not stated): gnomAD exomes below 0.00001.
gnomAD v4.1: 1 of 1,614,174 alleles (0.000062%); highest among the groups gnomAD compares: Non-Finnish European, 0.000085%; no homozygotes.

Submissions (2):

Ambry Genetics
Classification: Uncertain significance for Cardiovascular phenotype; Hereditary cancer-predisposing syndrome. Last evaluated: 2026-07-23. Review status: criteria provided, single submitter. Criteria: Ambry Variant Classification Scheme 2023. Collection method: clinical testing. Allele origin: germline.
Comment: The p.I1803S variant (also known as c.5408T>G), located in coding exon 37 of the NF1 gene, results from a T to G substitution at nucleotide position 5408. The isoleucine at codon 1803 is replaced by serine, an amino acid with dissimilar properties. This amino acid position is conserved. In addition, this alteration is predicted to be deleterious by in silico analysis. Since supporting evidence is limited at this time, the clinical significance of this alteration remains unclear.

Labcorp Genetics (formerly Invitae), Labcorp
Classification: Uncertain significance for Neurofibromatosis, type 1. Last evaluated: 2024-11-19. Review status: criteria provided, single submitter. Criteria: Invitae Variant Classification Sherloc (09022015). Collection method: clinical testing. Allele origin: germline.
Comment: This sequence change replaces isoleucine, which is neutral and non-polar, with serine, which is neutral and polar, at codon 1803 of the NF1 protein (p.Ile1803Ser). This variant is not present in population databases (gnomAD no frequency). This variant has not been reported in the literature in individuals affected with NF1-related conditions. ClinVar contains an entry for this variant (Variation ID: 2452226). Invitae Evidence Modeling of protein sequence and biophysical properties (such as structural, functional, and spatial information, amino acid conservation, physicochemical variation, residue mobility, and thermodynamic stability) indicates that this missense variant is expected to disrupt NF1 protein function with a positive predictive value of 95%. In summary, the available evidence is currently insufficient to determine the role of this variant in disease. Therefore, it has been classified as a Variant of Uncertain Significance.